The following is an entry in ClinVar:

ClinVar aggregate classification (germline): Uncertain significance. Review status: criteria provided, multiple submitters, no conflicts (2 of 4 stars). 2 submissions from 2 submitters: Uncertain significance (2). Last evaluated 2026-04-13.

Conditions:
ELN-related disorder.
Supravalvar aortic stenosis (SVAS). Also called: Supravalvar aortic stenosis, Eisenberg type. Identifiers: Orphanet 3193, MedGen C0003499, MONDO:0008504, OMIM 185500, HP:0004381.

Allele frequency attached by ClinVar (database versions not stated): TOPMed below 0.00001; gnomAD exomes 0.00001.
gnomAD v4.1: 8 of 1,613,328 alleles (0.0005%); highest among the groups gnomAD compares: Non-Finnish European, 0.00068%; no homozygotes.

Submissions (2):

PreventionGenetics, part of Exact Sciences
Classification: Uncertain significance for ELN-related condition. Last evaluated: 2026-04-13. Review status: criteria provided, single submitter. Criteria: ACMG Guidelines, 2015. Collection method: clinical testing. Allele origin: germline.
Comment: The ELN c.305C>G variant is predicted to result in the amino acid substitution p.Ala102Gly. To our knowledge, this variant has not been reported in the literature or in a large population database (gnomAD), indicating this variant is rare. At this time, the clinical significance of this variant is uncertain due to the absence of conclusive functional and genetic evidence.

Labcorp Genetics (formerly Invitae), Labcorp
Classification: Uncertain significance for Supravalvar aortic stenosis. Last evaluated: 2025-09-15. Review status: criteria provided, single submitter. Criteria: Invitae Variant Classification Sherloc (09022015). Collection method: clinical testing. Allele origin: germline.
Comment: This sequence change replaces alanine, which is neutral and non-polar, with glycine, which is neutral and non-polar, at codon 102 of the ELN protein (p.Ala102Gly). This variant is not present in population databases (gnomAD no frequency). This variant has not been reported in the literature in individuals affected with ELN-related conditions. ClinVar contains an entry for this variant (Variation ID: 2714541). Invitae Evidence Modeling of protein sequence and biophysical properties (such as structural, functional, and spatial information, amino acid conservation, physicochemical variation, residue mobility, and thermodynamic stability) indicates that this missense variant is not expected to disrupt ELN protein function with a negative predictive value of 80%. In summary, the available evidence is currently insufficient to determine the role of this variant in disease. Therefore, it has been classified as a Variant of Uncertain Significance.

NM_000501.4(ELN):c.305C>G (p.Ala102Gly)

Gene: ELN (elastin; plus strand). Cytogenetic location: 7q11.23.
Variant type: single nucleotide variant.
Coding change: c.305C>G on transcript NM_000501.4 (MANE Select); coding-DNA position 305, C replaced by G.
Protein change: p.Ala102Gly; replaces alanine 102 with glycine.
Molecular consequence: missense variant.
Genome position (GRCh38, 1-based): chr7:74,042,686, C>G. VCF-style: chr7-74042686-C-G. GRCh37 (hg19) VCF-style: chr7-73457016-C-G.
Other names: c.305C>G (NM_000501.3); c.275C>G, p.Ala92Gly (NM_001278914.2, NM_001278917.2, NM_001278918.2 and 1 more transcripts); c.305C>G, p.Ala102Gly (NM_001278915.2, NM_001278916.2, NM_001278939.2 and 4 more transcripts); c.269C>G, p.Ala90Gly (NM_001278913.2); short protein forms A92G, A90G, A102G.
Identifiers: ClinVar variation 2714541 (VCV002714541.4), dbSNP rs1791514936, ClinGen allele CA367869286.